The following is an entry in ClinVar:

NM_206965.2(FTCD):c.1379C>T (p.Ser460Leu)

Gene: FTCD (formimidoyltransferase cyclodeaminase; minus strand). Cytogenetic location: 21q22.3.
Variant type: single nucleotide variant.
Coding change: c.1379C>T on transcript NM_206965.2 (MANE Select); coding-DNA position 1379, C replaced by T.
Protein change: p.Ser460Leu; replaces serine 460 with leucine.
Molecular consequence: missense variant.
Genome position (GRCh38, 1-based): chr21:46,138,572, G>A on the plus strand (C>T on the coding strand, the complement: FTCD is on the minus strand). VCF-style: chr21-46138572-G-A. GRCh37 (hg19) VCF-style: chr21-47558486-G-A.
Other names: c.1379C>T, p.Ser460Leu (NM_001320412.2, NM_006657.3); short protein forms S460L.
Identifiers: ClinVar variation 1402273 (VCV001402273.6), dbSNP rs755986536, ClinGen allele CA410558949.
Genomic context (GRCh38, chr21:46,138,572, plus strand): 5'-AGGTCTGACCGGCAGGCCAGGTTCCCACACCGGGCCAGTTCCTGCAGGGCCGGCCACAGC[G>A]AGGCCACCGTCTCCGCCAGCGTCAGCGGCACAGAGACTGCCCGCCTCAGACCCTCCTGTA-3'
Protein context (NP_996848.1, residues 450-470): VPLTLAETVA[Ser460Leu]LWPALQELAR

ClinVar aggregate classification (germline): Uncertain significance (1 of 4 stars; one submission).

Conditions:
Glutamate formiminotransferase deficiency. Also called: Formiminoglutamic aciduria; Arakawa syndrome 1. Identifiers: Orphanet 51208, MedGen C0268609, MONDO:0009240, OMIM 229100.

Allele frequency attached by ClinVar (database versions not stated): gnomAD 0.00002; TOPMed 0.00004.
gnomAD v4.1: 36 of 1,587,922 alleles (0.0023%); highest among the groups gnomAD compares: African/African-American, 0.0054%; no homozygotes.

Submission:

Labcorp Genetics (formerly Invitae), Labcorp
Classification: Uncertain significance for Glutamate formiminotransferase deficiency. Last evaluated: 2024-10-07. Review status: criteria provided, single submitter. Criteria: Invitae Variant Classification Sherloc (09022015). Collection method: clinical testing. Allele origin: germline.
Comment: This sequence change replaces serine, which is neutral and polar, with leucine, which is neutral and non-polar, at codon 460 of the FTCD protein (p.Ser460Leu). The frequency data for this variant in the population databases is considered unreliable, as metrics indicate poor data quality at this position in the gnomAD database. This variant has not been reported in the literature in individuals affected with FTCD-related conditions. ClinVar contains an entry for this variant (Variation ID: 1402273). Invitae Evidence Modeling of protein sequence and biophysical properties (such as structural, functional, and spatial information, amino acid conservation, physicochemical variation, residue mobility, and thermodynamic stability) indicates that this missense variant is not expected to disrupt FTCD protein function with a negative predictive value of 80%. In summary, the available evidence is currently insufficient to determine the role of this variant in disease. Therefore, it has been classified as a Variant of Uncertain Significance.